The following is an entry in ClinVar:

ClinVar aggregate classification (germline): Conflicting classifications of pathogenicity. Review status: criteria provided, conflicting classifications (1 of 4 stars). 2 submissions from 2 submitters: Uncertain significance (1); Likely benign (1). Last evaluated 2026-06-10.

Conditions:
KBG syndrome (KBGS). Also called: ANKRD11-Related KBG Syndrome. Identifiers: Orphanet 2332, MedGen C0220687, MONDO:0007846, OMIM 148050.
Inborn genetic diseases. Identifiers: MedGen C0950123, MeSH D030342.

Allele frequency attached by ClinVar (database versions not stated): ExAC 0.00002; TOPMed below 0.00001; gnomAD exomes 0.00002 and 0.00003; gnomAD 0.00001.
gnomAD v4.1: 40 of 1,613,498 alleles (0.0025%); highest among the groups gnomAD compares: Admixed American, 0.0033%; 1 homozygote.

Submissions (2):

Ambry Genetics
Classification: Likely benign for Inborn genetic diseases. Last evaluated: 2026-06-10. Review status: criteria provided, single submitter. Criteria: Ambry Variant Classification Scheme 2023. Collection method: clinical testing. Allele origin: germline.

Labcorp Genetics (formerly Invitae), Labcorp
Classification: Uncertain significance for KBG syndrome. Last evaluated: 2024-11-28. Review status: criteria provided, single submitter. Criteria: Invitae Variant Classification Sherloc (09022015). Collection method: clinical testing. Allele origin: germline.
Comment: This sequence change replaces alanine, which is neutral and non-polar, with threonine, which is neutral and polar, at codon 1193 of the ANKRD11 protein (p.Ala1193Thr). This variant is present in population databases (rs111737495, gnomAD 0.006%). This variant has not been reported in the literature in individuals affected with ANKRD11-related conditions. ClinVar contains an entry for this variant (Variation ID: 589624). Invitae Evidence Modeling of protein sequence and biophysical properties (such as structural, functional, and spatial information, amino acid conservation, physicochemical variation, residue mobility, and thermodynamic stability) indicates that this missense variant is not expected to disrupt ANKRD11 protein function with a negative predictive value of 95%. In summary, the available evidence is currently insufficient to determine the role of this variant in disease. Therefore, it has been classified as a Variant of Uncertain Significance.

NM_013275.6(ANKRD11):c.3577G>A (p.Ala1193Thr)

Gene: ANKRD11 (ankyrin repeat domain 11; minus strand). Cytogenetic location: 16q24.3.
Variant type: single nucleotide variant.
Coding change: c.3577G>A on transcript NM_013275.6 (MANE Select); coding-DNA position 3577, G replaced by A.
Protein change: p.Ala1193Thr; replaces alanine 1193 with threonine.
Molecular consequence: missense variant.
Genome position (GRCh38, 1-based): chr16:89,282,965, C>T on the plus strand (G>A on the coding strand, the complement: ANKRD11 is on the minus strand). VCF-style: chr16-89282965-C-T. GRCh37 (hg19) VCF-style: chr16-89349373-C-T.
Other names: c.3577G>A, p.Ala1193Thr (NM_001256182.2, NM_001256183.2); short protein forms A1193T.
Identifiers: ClinVar variation 589624 (VCV000589624.8), dbSNP rs111737495, ClinGen allele CA8242330.